The following is an entry in ClinVar:

ClinVar aggregate classification (germline): Likely benign (0 of 4 stars; one submission).

Conditions:
PXDN-related disorder. Also called: PXDN-related condition.

Allele frequency attached by ClinVar (database versions not stated): TOPMed below 0.00001; gnomAD 0.00001; ExAC 0.00002.
gnomAD v4.1: 16 of 1,600,776 alleles (0.001%); highest among the groups gnomAD compares: Admixed American, 0.0017%; no homozygotes.

Submission:

PreventionGenetics, part of Exact Sciences
Classification: Likely benign for PXDN-related condition. Last evaluated: 2021-02-23. Review status: no assertion criteria provided. Collection method: clinical testing. Allele origin: germline.
Comment: This variant is classified as likely benign based on ACMG/AMP sequence variant interpretation guidelines (Richards et al. 2015 PMID: 25741868, with internal and published modifications).

NM_012293.3(PXDN):c.2919C>T (p.Ala973=)

Gene: PXDN (peroxidasin; minus strand). Cytogenetic location: 2p25.3.
Variant type: single nucleotide variant.
Coding change: c.2919C>T on transcript NM_012293.3 (MANE Select); coding-DNA position 2919, C replaced by T.
Protein change: p.Ala973=; no amino-acid change (alanine 973 retained).
Molecular consequence: synonymous variant.
Genome position (GRCh38, 1-based): chr2:1,648,861, G>A on the plus strand (C>T on the coding strand, the complement: PXDN is on the minus strand). VCF-style: chr2-1648861-G-A. GRCh37 (hg19) VCF-style: chr2-1652633-G-A.
Identifiers: ClinVar variation 3054287 (VCV003054287.2), dbSNP rs780425357, ClinGen allele CA1512853.
Genomic context (GRCh38, chr2:1,648,861, plus strand): 5'-GCGGAACCACAGCGTGTGCATGCTGGTCAGGCCCAGCTGCTCGTTGGCGCGGTGGTCCCC[G>A]GCCAGGAAGCAGGGGATGGGGCTCTCGTTCTCGTCCCGCATGCACTCCGTGGGCGGCCCG-3'
Protein context (NP_036425.1, residues 963-983): ENESPIPCFL[Ala973=]GDHRANEQLG